The following is an entry in ClinVar:

NM_001271938.2(MEGF8):c.7005+1G>T

Gene: MEGF8 (multiple EGF like domains 8; plus strand). Cytogenetic location: 19q13.2.
Variant type: single nucleotide variant.
Coding change: c.7005+1G>T on transcript NM_001271938.2 (MANE Select); the canonical splice donor site of the intron after coding-DNA position 7005, G replaced by T.
Molecular consequence: splice donor variant.
Genome position (GRCh38, 1-based): chr19:42,370,360, G>T. VCF-style: chr19-42370360-G-T. GRCh37 (hg19) VCF-style: chr19-42874512-G-T.
Other names: c.6804+1G>T (NM_001410.3).
Identifiers: ClinVar variation 1217298 (VCV001217298.1), dbSNP rs1224632697, ClinGen allele CA406136758.
Genomic context (GRCh38, chr19:42,370,360, plus strand): 5'-AGGAAGGAGTTACAAATGTCCAAGGGAGAGCCAAAGAAGTACTCACTGGACCCAGAGGAG[G>T]TGAAAGAGAGGGGTCAGATGCCTGGGTCTGAGGGAGGAGGGGCTGGGGAGCTCCTGGGTC-3'

ClinVar aggregate classification (germline): Likely pathogenic (1 of 4 stars; one submission).

Conditions:
Carpenter syndrome. Identifiers: Orphanet 65759, MedGen C1275078, MONDO:0019012.

gnomAD v4.1: 1 of 1,566,616 alleles (0.000064%); highest among the groups gnomAD compares: Non-Finnish European, 0.000087%; no homozygotes.

Submission:

Women's Health and Genetics/Laboratory Corporation of America, LabCorp
Classification: Likely pathogenic for Carpenter syndrome. Last evaluated: 2021-08-05. Review status: criteria provided, single submitter. Criteria: LabCorp Variant Classification Summary - May 2015. Collection method: clinical testing. Allele origin: germline.
Comment: Variant summary: MEGF8 c.6804+1G>T is located in a canonical splice-site and is predicted to affect mRNA splicing resulting in a significantly altered protein due to either exon skipping, shortening, or inclusion of intronic material. Several computational tools predict a significant impact on normal splicing: Three predict the variant abolishes a 5 splicing donor site. However, these predictions have yet to be confirmed by functional studies. The variant was absent in 173780 control chromosomes (gnomAD). To our knowledge, no occurrence of c.6804+1G>T in individuals affected with Carpenter Syndrome - Type 2 and no experimental evidence demonstrating its impact on protein function have been reported. No clinical diagnostic laboratories have submitted clinical-significance assessments for this variant to ClinVar after 2014. Other splice-site and loss-of-function variants have been cited in ClinVar (e.g. c.5073del, c.1788+1G>C, c.3351-2A>C) and have been reported in HGMD (e.g. p.R448X, c.7069-2A>G) as pathogenic and as disease-associated. Based on the evidence outlined above, the variant was classified as likely pathogenic.